The following is an entry in ClinVar:

NM_001010909.5(MUC21):c.1041C>T (p.Asn347=)

Genes: MUC21 (mucin 21, cell surface associated; plus strand), LOC126859647 (CDK7 strongly-dependent group 2 enhancer GRCh37_chr6:30954612-30955811; plus strand). Cytogenetic location: 6p21.33.
Variant type: single nucleotide variant.
Coding change: c.1041C>T on transcript NM_001010909.5 (MANE Select); coding-DNA position 1041, C replaced by T.
Protein change: p.Asn347=; no amino-acid change (asparagine 347 retained).
Molecular consequence: synonymous variant. On other transcripts: no sequence alteration (1), non-coding transcript variant (1).
Genome position (GRCh38, 1-based): chr6:30,987,216, C>T. VCF-style: chr6-30987216-C-T. GRCh37 (hg19) VCF-style: chr6-30954993-C-T.
Other names: c.1131C>T, p.Asn377= (NM_001322370.2); c.1131=, p.Asn377= (NM_001322371.2).
Identifiers: ClinVar variation 2656370 (VCV002656370.24), dbSNP rs55809174, ClinGen allele CA136800511.

ClinVar aggregate classification (germline): Likely benign (1 of 4 stars; one submission).

Submission:

CeGaT Center for Human Genetics Tuebingen
Classification: Likely benign. Last evaluated: 2024-05-01. Review status: criteria provided, single submitter. Criteria: CeGaT Center For Human Genetics Tuebingen Variant Classification Criteria Version 2. Collection method: clinical testing. Allele origin: germline. Affected: yes. Observed: 3 variant alleles.
Comment: MUC21: BP4, BP7